The following is an entry in ClinVar:

ClinVar aggregate classification (germline): Uncertain significance (1 of 4 stars; one submission).

Conditions:
Inborn genetic diseases. Identifiers: MedGen C0950123, MeSH D030342.

Submission:

Ambry Genetics
Classification: Uncertain significance for Inborn genetic diseases. Last evaluated: 2025-06-09. Review status: criteria provided, single submitter. Criteria: Ambry Variant Classification Scheme 2023. Collection method: clinical testing. Allele origin: germline.
Comment: The p.H348R variant (also known as c.1043A>G), located in coding exon 8 of the FANCG gene, results from an A to G substitution at nucleotide position 1043. The histidine at codon 348 is replaced by arginine, an amino acid with highly similar properties. This amino acid position is conserved. In addition, this alteration is predicted to be tolerated by in silico analysis. Based on the available evidence, the clinical significance of this variant remains unclear.

NM_004629.2(FANCG):c.1043A>G (p.His348Arg)

Gene: FANCG (FA complementation group G; minus strand). Cytogenetic location: 9p13.3.
Variant type: single nucleotide variant.
Coding change: c.1043A>G on transcript NM_004629.2 (MANE Select); coding-DNA position 1043, A replaced by G.
Protein change: p.His348Arg; replaces histidine 348 with arginine.
Molecular consequence: missense variant.
Genome position (GRCh38, 1-based): chr9:35,076,465, T>C on the plus strand (A>G on the coding strand, the complement: FANCG is on the minus strand). VCF-style: chr9-35076465-T-C. GRCh37 (hg19) VCF-style: chr9-35076462-T-C.
Other names: short protein forms H348R.
Identifiers: ClinVar variation 4022556 (VCV004022556.1).